The following is an entry in ClinVar:

NM_004304.5(ALK):c.4524del (p.Ser1509fs)

Gene: ALK (ALK receptor tyrosine kinase; minus strand). Cytogenetic location: 2p23.2.
Variant type: Deletion.
Coding change: c.4524del on transcript NM_004304.5 (MANE Select); coding-DNA position 4524, one base deleted (C; older notation c.4524delC).
Protein change: p.Ser1509fs; shifts the reading frame from serine 1509.
Molecular consequence: frameshift variant.
Genome position (GRCh38, 1-based): chr2:29,193,563, G deleted on the plus strand (C on the coding strand, the reverse complement: ALK is on the minus strand). VCF-style (leftmost placement, unchanged base first): chr2-29193562-AG-A. GRCh37 (hg19) VCF-style: chr2-29416428-AG-A.
Other names: c.1320del, p.Ser441fs (NM_001353765.2); short protein forms S1509fs, S441fs.
Identifiers: ClinVar variation 4717859 (VCV004717859.1).

ClinVar aggregate classification (germline): Uncertain significance (1 of 4 stars; one submission).

Conditions:
Neuroblastoma, susceptibility to, 3. Also called: ALK-Related Neuroblastic Tumor Susceptibility. Identifiers: Orphanet 635, MedGen C2751681, MONDO:0013083, OMIM 613014.

Submission:

Labcorp Genetics (formerly Invitae), Labcorp
Classification: Uncertain significance for Neuroblastoma, susceptibility to, 3. Last evaluated: 2025-04-18. Review status: criteria provided, single submitter. Criteria: Invitae Variant Classification Sherloc (09022015). Collection method: clinical testing. Allele origin: germline.
Comment: This sequence change creates a premature translational stop signal (p.Ser1509Profs*14) in the ALK gene. While this is not anticipated to result in nonsense mediated decay, it is expected to disrupt the last 112 amino acid(s) of the ALK protein. This variant is not present in population databases (gnomAD no frequency). This variant has not been reported in the literature in individuals affected with ALK-related conditions. In summary, the available evidence is currently insufficient to determine the role of this variant in disease. Therefore, it has been classified as a Variant of Uncertain Significance.